The following is an entry in ClinVar:

NM_004628.5(XPC):c.2473dup (p.Trp825fs)

Gene: XPC (XPC complex subunit, DNA damage recognition and repair factor; minus strand). Cytogenetic location: 3p25.1.
Variant type: Duplication.
Coding change: c.2473dup on transcript NM_004628.5 (MANE Select); coding-DNA position 2473, one base duplicated (T; older notation c.2473dupT).
Protein change: p.Trp825fs; shifts the reading frame from tryptophan 825.
Molecular consequence: frameshift variant. On other transcripts: non-coding transcript variant (2).
Genome position (GRCh38, 1-based): chr3:14,147,949, A duplicated on the plus strand (T on the coding strand, the reverse complement: XPC is on the minus strand). VCF-style (leftmost placement, unchanged base first): chr3-14147948-C-CA. GRCh37 (hg19) VCF-style: chr3-14189448-C-CA.
Other names: c.1894dup, p.Trp632fs (NM_001354726.2); c.2467dup, p.Trp823fs (NM_001354727.2); c.2455dup, p.Trp819fs (NM_001354729.2); c.2227dup, p.Trp743fs (NM_001354730.2); short protein forms W632fs, W823fs, W819fs, W743fs, W825fs.
Identifiers: ClinVar variation 1455510 (VCV001455510.6), dbSNP rs2125008314, ClinGen allele CA2573136217.

ClinVar aggregate classification (germline): Pathogenic (1 of 4 stars; one submission).

Submission:

Labcorp Genetics (formerly Invitae), Labcorp
Classification: Pathogenic. Last evaluated: 2021-10-15. Review status: criteria provided, single submitter. Criteria: Invitae Variant Classification Sherloc (09022015). Collection method: clinical testing. Allele origin: germline.
Comment: For these reasons, this variant has been classified as Pathogenic. This variant has not been reported in the literature in individuals affected with XPC-related conditions. This variant is not present in population databases (ExAC no frequency). This sequence change creates a premature translational stop signal (p.Trp825Leufs*4) in the XPC gene. It is expected to result in an absent or disrupted protein product. Loss-of-function variants in XPC are known to be pathogenic (PMID: 23173980, 25256075).

Literature cited by the submitters: PubMed 23173980; PubMed 25256075.